The following is an entry in ClinVar:

ClinVar aggregate classification (germline): Uncertain significance (1 of 4 stars; one submission).

Conditions:
Neurofibromatosis, type 1 (NF1). Also called: VON RECKLINGHAUSEN DISEASE; Neurofibromatosis, type I; NEUROFIBROMATOSIS, TYPE I, SOMATIC; Peripheral type neurofibromatosis. Identifiers: Orphanet 636, MedGen C0027831, MONDO:0018975, OMIM 162200. Disease mechanism: loss of function.

Submission:

Labcorp Genetics (formerly Invitae), Labcorp
Classification: Uncertain significance for Neurofibromatosis, type 1. Last evaluated: 2025-12-20. Review status: criteria provided, single submitter. Criteria: Invitae Variant Classification Sherloc (09022015). Collection method: clinical testing. Allele origin: germline.
Comment: This sequence change replaces isoleucine, which is neutral and non-polar, with asparagine, which is neutral and polar, at codon 2563 of the NF1 protein (p.Ile2563Asn). This variant is not present in population databases (gnomAD no frequency). This variant has not been reported in the literature in individuals affected with NF1-related conditions. Invitae Evidence Modeling of protein sequence and biophysical properties (such as structural, functional, and spatial information, amino acid conservation, physicochemical variation, residue mobility, and thermodynamic stability) has been performed for this missense variant. However, the output from this modeling did not meet the statistical confidence thresholds required to predict the impact of this variant on NF1 protein function. In summary, the available evidence is currently insufficient to determine the role of this variant in disease. Therefore, it has been classified as a Variant of Uncertain Significance.

NM_001042492.3(NF1):c.7751T>A (p.Ile2584Asn)

Gene: NF1 (neurofibromin 1; plus strand). Cytogenetic location: 17q11.2.
Variant type: single nucleotide variant.
Coding change: c.7751T>A on transcript NM_001042492.3 (MANE Select); coding-DNA position 7751, T replaced by A.
Protein change: p.Ile2584Asn; replaces isoleucine 2584 with asparagine.
Molecular consequence: missense variant.
Genome position (GRCh38, 1-based): chr17:31,356,972, T>A. VCF-style: chr17-31356972-T-A. GRCh37 (hg19) VCF-style: chr17-29683990-T-A.
Other names: c.7688T>A, p.Ile2563Asn (NM_000267.4); short protein forms I2563N, I2584N.
Identifiers: ClinVar variation 4800807 (VCV004800807.1).